The following is an entry in ClinVar:

ClinVar aggregate classification (germline): Uncertain significance (1 of 4 stars; one submission).

Conditions:
Deficiency of butyryl-CoA dehydrogenase (ACADSD). Also called: ACYL-CoA DEHYDROGENASE, SHORT-CHAIN, DEFICIENCY OF; ACADS DEFICIENCY; Short-Chain Acyl-CoA Dehydrogenase Deficiency; SCADH DEFICIENCY; SCAD DEFICIENCY, MILD; SCAD Deficiency. Identifiers: Orphanet 26792, MedGen C0342783, MONDO:0008722, OMIM 201470. Disease mechanism: May be benign.

gnomAD v4.1: 1 of 1,611,492 alleles (0.000062%); no homozygotes.

Submission:

Labcorp Genetics (formerly Invitae), Labcorp
Classification: Uncertain significance for Deficiency of butyryl-CoA dehydrogenase. Last evaluated: 2021-12-10. Review status: criteria provided, single submitter. Criteria: Invitae Variant Classification Sherloc (09022015). Collection method: clinical testing. Allele origin: germline.
Comment: This sequence change replaces isoleucine, which is neutral and non-polar, with phenylalanine, which is neutral and non-polar, at codon 275 of the ACADS protein (p.Ile275Phe). This variant is not present in population databases (gnomAD no frequency). This variant has not been reported in the literature in individuals affected with ACADS-related conditions. Advanced modeling of protein sequence and biophysical properties (such as structural, functional, and spatial information, amino acid conservation, physicochemical variation, residue mobility, and thermodynamic stability) performed at Invitae indicates that this missense variant is expected to disrupt ACADS protein function. In summary, the available evidence is currently insufficient to determine the role of this variant in disease. Therefore, it has been classified as a Variant of Uncertain Significance.

NM_000017.4(ACADS):c.823A>T (p.Ile275Phe)

Gene: ACADS (acyl-CoA dehydrogenase short chain; plus strand). Cytogenetic location: 12q24.31.
Variant type: single nucleotide variant.
Coding change: c.823A>T on transcript NM_000017.4 (MANE Select); coding-DNA position 823, A replaced by T.
Protein change: p.Ile275Phe; replaces isoleucine 275 with phenylalanine.
Molecular consequence: missense variant.
Genome position (GRCh38, 1-based): chr12:120,738,560, A>T. VCF-style: chr12-120738560-A-T. GRCh37 (hg19) VCF-style: chr12-121176363-A-T.
Other names: c.811A>T, p.Ile271Phe (NM_001302554.2); short protein forms I271F, I275F.
Identifiers: ClinVar variation 1397167 (VCV001397167.3), dbSNP rs1883539190, ClinGen allele CA386601174.